The following is an entry in ClinVar:

ClinVar aggregate classification (germline): Uncertain significance (1 of 4 stars; one submission).

Conditions:
Inborn genetic diseases. Identifiers: MedGen C0950123, MeSH D030342.

gnomAD v4.1: 2 of 1,614,150 alleles (0.00012%); highest among the groups gnomAD compares: Non-Finnish European, 0.00017%; no homozygotes.

Submission:

Ambry Genetics
Classification: Uncertain significance for Inborn genetic diseases. Last evaluated: 2026-06-14. Review status: criteria provided, single submitter. Criteria: Ambry Variant Classification Scheme 2023. Collection method: clinical testing. Allele origin: germline.
Comment: The p.T373A variant (also known as c.1117A>G), located in coding exon 3 of the MBD4 gene, results from an A to G substitution at nucleotide position 1117. The threonine at codon 373 is replaced by alanine, an amino acid with similar properties. This amino acid position is conserved. In addition, this alteration is predicted to be tolerated by in silico analysis. Based on the available evidence, the clinical significance of this variant remains unclear.

NM_001276270.2(MBD4):c.1117A>G (p.Thr373Ala)

Gene: MBD4 (methyl-CpG binding domain 4, DNA glycosylase; minus strand). Cytogenetic location: 3q21.3.
Variant type: single nucleotide variant.
Coding change: c.1117A>G on transcript NM_001276270.2 (MANE Select); coding-DNA position 1117, A replaced by G.
Protein change: p.Thr373Ala; replaces threonine 373 with alanine.
Molecular consequence: missense variant. On other transcripts: intron variant (1).
Genome position (GRCh38, 1-based): chr3:129,436,527, T>C on the plus strand (A>G on the coding strand, the complement: MBD4 is on the minus strand). VCF-style: chr3-129436527-T-C. GRCh37 (hg19) VCF-style: chr3-129155370-T-C.
Other names: c.1117A>G, p.Thr373Ala (NM_001276272.2, NM_003925.3, NM_001276271.2); c.247+1281A>G (NM_001276273.2); short protein forms T373A.
Identifiers: ClinVar variation 4104686 (VCV004104686.2).
Genomic context (GRCh38, chr3:129,436,527, plus strand): 5'-AGTCTTTCCTGGTTGGTGAGCAGTTGTTGTCCATTTCAGAGCCACGTTTTAAAATGTCAG[T>C]ATGCAAATGTTCTTTCCTTTCCACAACTTCTACTTTTGTTCCGATTTCTTCAGATTCTAA-3'
Protein context (NP_001263199.1, residues 363-383): EVVERKEHLH[Thr373Ala]DILKRGSEMD